The following is an entry in ClinVar:

ClinVar aggregate classification (germline): Uncertain significance (1 of 4 stars; one submission).

Conditions:
Autosomal recessive ataxia, Beauce type. Also called: Spinocerebellar ataxia, autosomal recessive 8; ATAXIA, RECESSIVE, OF BEAUCE; SYNE1-Related Autosomal Recessive Cerebellar Ataxia; SYNE1 Deficiency. Identifiers: Orphanet 88644, MedGen C1853116, MONDO:0012549, OMIM 610743.
Emery-Dreifuss muscular dystrophy 4, autosomal dominant (EDMD4). Also called: EMERY-DREIFUSS MUSCULAR DYSTROPHY 4 WITH VARIABLE FEATURES. Identifiers: Orphanet 261, MedGen C2751807, MONDO:0013071, OMIM 612998.

Submission:

Labcorp Genetics (formerly Invitae), Labcorp
Classification: Uncertain significance for Emery-Dreifuss muscular dystrophy 4, autosomal dominant; Autosomal recessive ataxia, Beauce type. Last evaluated: 2022-05-05. Review status: criteria provided, single submitter. Criteria: Invitae Variant Classification Sherloc (09022015). Collection method: clinical testing. Allele origin: germline.
Comment: This variant is not present in population databases (gnomAD no frequency). In summary, the available evidence is currently insufficient to determine the role of this variant in disease. Therefore, it has been classified as a Variant of Uncertain Significance. Algorithms developed to predict the effect of missense changes on protein structure and function output the following: SIFT: "Tolerated"; PolyPhen-2: "Benign"; Align-GVGD: "Class C0". The threonine amino acid residue is found in multiple mammalian species, which suggests that this missense change does not adversely affect protein function. This variant has not been reported in the literature in individuals affected with SYNE1-related conditions. This sequence change replaces methionine, which is neutral and non-polar, with threonine, which is neutral and polar, at codon 3435 of the SYNE1 protein (p.Met3435Thr).

NM_182961.4(SYNE1):c.10283T>C (p.Met3428Thr)

Gene: SYNE1 (spectrin repeat containing nuclear envelope protein 1; minus strand). Cytogenetic location: 6q25.2.
Variant type: single nucleotide variant.
Coding change: c.10283T>C on transcript NM_182961.4 (MANE Select); coding-DNA position 10283, T replaced by C.
Protein change: p.Met3428Thr; replaces methionine 3428 with threonine.
Molecular consequence: missense variant.
Genome position (GRCh38, 1-based): chr6:152,362,186, A>G on the plus strand (T>C on the coding strand, the complement: SYNE1 is on the minus strand). VCF-style: chr6-152362186-A-G. GRCh37 (hg19) VCF-style: chr6-152683321-A-G.
Other names: c.10304T>C, p.Met3435Thr (NM_033071.5); short protein forms M3428T, M3435T.
Identifiers: ClinVar variation 2421130 (VCV002421130.6), dbSNP rs2488907524, ClinGen allele CA366130147.